The following is an entry in ClinVar:

ClinVar aggregate classification (germline): Conflicting classifications of pathogenicity. Review status: criteria provided, conflicting classifications (1 of 4 stars). 2 submissions from 2 submitters: Likely pathogenic (1); Uncertain significance (1). Last evaluated 2023-06-13.

Conditions:
Phenylketonuria (PKU). Also called: OLIGOPHRENIA PHENYLPYRUVICA; Phenylketonurias; Phenylketonuria (PKU); FOLLING DISEASE. Identifiers: Orphanet 716, MedGen C0031485, MONDO:0009861, OMIM 261600. Disease mechanism: loss of function.

Allele frequency attached by ClinVar (database versions not stated): TOPMed below 0.00001; gnomAD exomes below 0.00001.
gnomAD v4.1: 3 of 1,613,720 alleles (0.00019%); highest among the groups gnomAD compares: Admixed American, 0.0017%; no homozygotes.

Submissions (2):

Women's Health and Genetics/Laboratory Corporation of America, LabCorp
Classification: Uncertain significance. Last evaluated: 2023-06-13. Review status: criteria provided, single submitter. Criteria: LabCorp Variant Classification Summary - May 2015. Collection method: clinical testing. Allele origin: germline.
Comment: Variant summary: PAH c.1013A>C (p.Asp338Ala) results in a non-conservative amino acid change located in the Aromatic amino acid hydroxylase, C-terminal (IPR019774) of the encoded protein sequence. Another missense variant affecting the same residue (p.Asp338Tyr) is classified as pathogenic in ClinVar, and other nearby missense variants are also classified as pathogenic/likely pathogenic, suggesting this may be a functionally important region of the protein. Three of five in-silico tools predict a damaging effect of the variant on protein function. The variant allele was found at a frequency of 4e-06 in 251186 control chromosomes (gnomAD). The available data on variant occurrences in the general population are insufficient to allow any conclusion about variant significance. To our knowledge, no occurrence of c.1013A>C in individuals affected with Phenylalanine Hydroxylase Deficiency (Phenylketonuria) and no experimental evidence demonstrating its impact on protein function have been reported. One clinical diagnostic laboratory has submitted clinical-significance assessments for this variant to ClinVar after 2014 without evidence for independent evaluation, and classified it as likely pathogenic. Based on the evidence outlined above, the variant was classified as VUS-possibly pathogenic.

Labcorp Genetics (formerly Invitae), Labcorp
Classification: Likely pathogenic for Phenylketonuria. Last evaluated: 2022-05-18. Review status: criteria provided, single submitter. Criteria: Invitae Variant Classification Sherloc (09022015). Collection method: clinical testing. Allele origin: germline.
Comment: In summary, the currently available evidence indicates that the variant is pathogenic, but additional data are needed to prove that conclusively. Therefore, this variant has been classified as Likely Pathogenic. This variant disrupts the p.Asp338 amino acid residue in PAH. Other variant(s) that disrupt this residue have been determined to be pathogenic (PMID: 7913581, 17502162, 19292873, 25882749). This suggests that this residue is clinically significant, and that variants that disrupt this residue are likely to be disease-causing. Advanced modeling of protein sequence and biophysical properties (such as structural, functional, and spatial information, amino acid conservation, physicochemical variation, residue mobility, and thermodynamic stability) performed at Invitae indicates that this missense variant is expected to disrupt PAH protein function. This variant has not been reported in the literature in individuals affected with PAH-related conditions. This variant is present in population databases (no rsID available, gnomAD no frequency). This sequence change replaces aspartic acid, which is acidic and polar, with alanine, which is neutral and non-polar, at codon 338 of the PAH protein (p.Asp338Ala).

Literature cited by the submitters: PubMed 7913581 (cited by Labcorp Genetics (formerly Invitae), Labcorp); PubMed 17502162 (cited by Labcorp Genetics (formerly Invitae), Labcorp); PubMed 19292873 (cited by Labcorp Genetics (formerly Invitae), Labcorp); PubMed 25882749 (cited by Labcorp Genetics (formerly Invitae), Labcorp).

NM_000277.3(PAH):c.1013A>C (p.Asp338Ala)

Gene: PAH (phenylalanine hydroxylase; minus strand). Cytogenetic location: 12q23.2.
Variant type: single nucleotide variant.
Coding change: c.1013A>C on transcript NM_000277.3 (MANE Select); coding-DNA position 1013, A replaced by C.
Protein change: p.Asp338Ala; replaces aspartic acid 338 with alanine.
Molecular consequence: missense variant.
Genome position (GRCh38, 1-based): chr12:102,844,388, T>G on the plus strand (A>C on the coding strand, the complement: PAH is on the minus strand). VCF-style: chr12-102844388-T-G. GRCh37 (hg19) VCF-style: chr12-103238166-T-G.
Other names: c.1013A>C (NM_000277.1); c.1013A>C, p.Asp338Ala (NM_001354304.2); short protein forms D338A.
Identifiers: ClinVar variation 1481721 (VCV001481721.6), dbSNP rs1169310686, ClinGen allele CA386493456.
Genomic context (GRCh38, chr12:102,844,388, plus strand): 5'-GGTCATACCTGTAATTCACCAAAGGATGACAGGAGCCCAGCACCATATGCCTTTATGGAG[T>G]CTCCTTGTTTGCAGAGCCCAAACTCCACAGTAAACCAGTAAATCTGGAATGGAAAGTCAA-3'
Protein context (NP_000268.1, residues 328-348): TVEFGLCKQG[Asp338Ala]SIKAYGAGLL